The following is an entry in ClinVar:

ClinVar aggregate classification (germline): Uncertain significance. Review status: criteria provided, single submitter (1 of 4 stars). 2 submissions from 1 submitter: Uncertain significance (1). 1 of the submissions does not count toward it. Last evaluated 2020-04-15.

Allele frequency attached by ClinVar (database versions not stated): gnomAD exomes below 0.00001.
gnomAD v4.1: 3 of 1,614,120 alleles (0.00019%); highest among the groups gnomAD compares: Admixed American, 0.005%; no homozygotes.

Submissions (2):

GeneDx
Classification: Uncertain significance. Last evaluated: 2020-04-15. Review status: criteria provided, single submitter. Criteria: GeneDx Variant Classification Process June 2021. Collection method: clinical testing. Allele origin: germline. Affected: yes.
Comment: Not observed at a significant frequency in large population cohorts (Lek et al., 2016); In silico analysis supports that this missense variant has a deleterious effect on protein structure/function; Has not been previously published as pathogenic or benign to our knowledge

GeneDx
Classification: Uncertain significance. Last evaluated: 2016-11-21. Review status: flagged submission. Criteria: GeneDx Variant Classification (06012015). Collection method: clinical testing. Allele origin: germline. Affected: yes. Not counted in ClinVar's aggregate classification.
Comment: The N1609D novel variant of uncertain significance in the SCN10A gene has not been published as a pathogenic or benign variant to our knowledge. This variant was not observed in the Exome Aggregation Consortium or in approximately 6,500 individuals of European and African American ancestry in the NHLBI Exome Sequencing Project, indicating it is not a common benign variant in these populations. The N1609D variant is a semi-conservative amino acid substitution, which may impact secondary protein structure as these residues differ in some properties. This substitution also occurs at a position that is conserved across species. Furthermore, in silico analysis predicts this variant is probably damaging to the protein structure/function. Nevertheless, no missense variants in nearby residues have been reported in the Human Gene Mutation Database in association with SCN10A-related disorders (Stenson et al., 2014). Therefore, based on the currently available information, it is unclear whether this variant is pathogenic or rare benign.
ClinVar note: Reason: This record appears to be redundant with a more recent record from the same submitter.
ClinVar note: Notes: SCV000491824 appears to be redundant with SCV001987974.

NM_006514.4(SCN10A):c.4825A>G (p.Asn1609Asp)

Gene: SCN10A (sodium voltage-gated channel alpha subunit 10; minus strand). Cytogenetic location: 3p22.2.
Variant type: single nucleotide variant.
Coding change: c.4825A>G on transcript NM_006514.4 (MANE Select); coding-DNA position 4825, A replaced by G.
Protein change: p.Asn1609Asp; replaces asparagine 1609 with aspartic acid.
Molecular consequence: missense variant.
Genome position (GRCh38, 1-based): chr3:38,698,395, T>C on the plus strand (A>G on the coding strand, the complement: SCN10A is on the minus strand). VCF-style: chr3-38698395-T-C. GRCh37 (hg19) VCF-style: chr3-38739886-T-C.
Other names: c.4822A>G, p.Asn1608Asp (NM_001293306.2); c.4531A>G, p.Asn1511Asp (NM_001293307.2); short protein forms N1609D, N1608D, N1511D.
Identifiers: ClinVar variation 373245 (VCV000373245.3), dbSNP rs1057518302, ClinGen allele CA16042448.